The following is an entry in ClinVar:

NM_004006.3(DMD):c.367G>A (p.Val123Ile)

Gene: DMD (dystrophin; minus strand). Cytogenetic location: Xp21.1.
Variant type: single nucleotide variant.
Coding change: c.367G>A on transcript NM_004006.3 (MANE Select); coding-DNA position 367, G replaced by A.
Protein change: p.Val123Ile; replaces valine 123 with isoleucine.
Molecular consequence: missense variant. On other transcripts: 5 prime UTR variant (1).
Genome position (GRCh38, 1-based): chrX:32,816,631, C>T on the plus strand (G>A on the coding strand, the complement: DMD is on the minus strand). VCF-style: chrX-32816631-C-T. GRCh37 (hg19) VCF-style: chrX-32834748-C-T.
Other names: c.343G>A, p.Val115Ile (NM_000109.4); c.355G>A, p.Val119Ile (NM_004009.3); c.-3G>A (NM_004010.3); short protein forms V123I, V119I, V115I.
Identifiers: ClinVar variation 424573 (VCV000424573.11), dbSNP rs757220688, ClinGen allele CA10380172.

ClinVar aggregate classification (germline): Uncertain significance. Review status: criteria provided, multiple submitters, no conflicts (2 of 4 stars). 6 submissions from 5 submitters: Uncertain significance (5). 1 of the submissions does not count toward it. Last evaluated 2026-07-22.

Conditions:
Duchenne muscular dystrophy (DMD). Also called: MUSCULAR DYSTROPHY, PSEUDOHYPERTROPHIC PROGRESSIVE, DUCHENNE TYPE; Duchenne Muscular Dystrophy (DMD). Identifiers: Orphanet 98896, MedGen C0013264, MONDO:0010679, OMIM 310200.
Becker muscular dystrophy (BMD). Also called: MUSCULAR DYSTROPHY, PSEUDOHYPERTROPHIC PROGRESSIVE, BECKER TYPE; Becker Muscular Dystrophy (BMD). Identifiers: Orphanet 98895, MedGen C0917713, MONDO:0010311, OMIM 300376.
Dystrophin deficiency.
Cardiomyopathy (CMYO). Also called: Cardiomyopathies. Identifiers: Orphanet 167848, MedGen C0878544, MONDO:0004994, HP:0001638. Inheritance: Various modes of inheritance.
Cardiovascular phenotype. Identifiers: MedGen CN230736.
Dilated cardiomyopathy 3B (CMD3B). Also called: CMD3B: DMD-Related Dilated Cardiomyopathy; CARDIOMYOPATHY, DILATED, X-LINKED; DMD-Associated Dilated Cardiomyopathy. Identifiers: Orphanet 154, MedGen C3668940, MONDO:0010542, OMIM 302045.

Allele frequency attached by ClinVar (database versions not stated): ExAC 0.00001; gnomAD exomes 0.00001; gnomAD 0.00002; TOPMed 0.00003.

Submissions (6):

Ambry Genetics
Classification: Uncertain significance for Cardiovascular phenotype. Last evaluated: 2026-07-22. Review status: criteria provided, single submitter. Criteria: Ambry Variant Classification Scheme 2023. Collection method: clinical testing. Allele origin: germline.
Comment: The p.V123I variant (also known as c.367G>A), located in coding exon 6 of the DMD gene, results from a G to A substitution at nucleotide position 367. The valine at codon 123 is replaced by isoleucine, an amino acid with highly similar properties. Based on data from gnomAD, the A allele has an overall frequency of <0.01% (1/183065) total alleles studied, with 0 hemizygote(s) observed. The highest observed frequency was <0.01% (1/27410) of Latino alleles. This amino acid position is well conserved in available vertebrate species. In addition, the in silico prediction for this alteration is inconclusive. Based on the available evidence, the clinical significance of this variant remains unclear.

Labcorp Genetics (formerly Invitae), Labcorp
Classification: Uncertain significance for Duchenne muscular dystrophy. Last evaluated: 2025-11-17. Review status: criteria provided, single submitter. Criteria: Invitae Variant Classification Sherloc (09022015). Collection method: clinical testing. Allele origin: germline.
Comment: This sequence change replaces valine, which is neutral and non-polar, with isoleucine, which is neutral and non-polar, at codon 123 of the DMD protein (p.Val123Ile). This variant is present in population databases (rs757220688, gnomAD 0.004%). This variant has not been reported in the literature in individuals affected with DMD-related conditions. ClinVar contains an entry for this variant (Variation ID: 424573). Invitae Evidence Modeling of protein sequence and biophysical properties (such as structural, functional, and spatial information, amino acid conservation, physicochemical variation, residue mobility, and thermodynamic stability) indicates that this missense variant is not expected to disrupt DMD protein function with a negative predictive value of 95%. In summary, the available evidence is currently insufficient to determine the role of this variant in disease. Therefore, it has been classified as a Variant of Uncertain Significance.

Genome-Nilou Lab
Classification: Uncertain significance for Dilated cardiomyopathy 3B. Last evaluated: 2021-07-14. Review status: criteria provided, single submitter. Criteria: ACMG Guidelines, 2015. Collection method: clinical testing. Allele origin: germline. Affected: no.

Genome-Nilou Lab
Classification: Uncertain significance for Duchenne muscular dystrophy. Last evaluated: 2021-07-14. Review status: criteria provided, single submitter. Criteria: ACMG Guidelines, 2015. Collection method: clinical testing. Allele origin: germline. Affected: no.

GeneDx
Classification: Uncertain significance. Last evaluated: 2017-03-27. Review status: criteria provided, single submitter. Criteria: GeneDx Variant Classification (06012015). Collection method: clinical testing. Allele origin: germline. Affected: yes.
Comment: The V123I variant of uncertain significance in the DMD gene has not been published as pathogenic or been reported as benign to our knowledge. This variant is not observed at a significant frequency in large population cohorts (Lek et al., 2016; 1000 Genomes Consortium et al., 2015; Exome Variant Server). This substitution occurs at a position that is conserved across species, and 2/3 in silico algorithms predict this variant is probably damaging to the protein structure/function. However, to our knowledge no studies have been performed to determine the functional effect of the V123I variant. Furthermore, the V123I variant is a conservative amino acid substitution, which is not likely to impact secondary protein structure as these residues share similar properties.

Natera, Inc.
Classification: Uncertain significance for Becker muscular dystrophy; Cardiomyopathy; Duchenne muscular dystrophy; Dystrophin deficiency. Last evaluated: 2019-02-06. Review status: no assertion criteria provided. Collection method: clinical testing. Allele origin: germline. Not counted in ClinVar's aggregate classification.